The following is an entry in ClinVar:

ClinVar aggregate classification (germline): Conflicting classifications of pathogenicity. Review status: criteria provided, conflicting classifications (1 of 4 stars). 4 submissions from 4 submitters: Uncertain significance (2); Likely benign (1). 1 of the submissions does not count toward it. Last evaluated 2025-07-28.

Conditions:
EFHC1-related disorder. Also called: EFHC1-related condition.
Myoclonic epilepsy, juvenile, susceptibility to, 1. Also called: Myoclonic Epilepsy, Juvenile, 1; EJM1. Identifiers: MedGen C1850778, MONDO:0020752, OMIM 254770.
Absence seizure. Also called: Absence epilepsy. Identifiers: Orphanet 1941, MedGen C0014553.

Allele frequency attached by ClinVar (database versions not stated): gnomAD exomes 0.00005 and 0.00018; gnomAD 0.00006 and 0.00021; TOPMed 0.00009; ExAC 0.00018; 1000 Genomes Project 30x 0.00250; 1000 Genomes Project 0.00260.

Submissions (8):

Labcorp Genetics (formerly Invitae), Labcorp
Classification: Likely benign for Myoclonic epilepsy, juvenile, susceptibility to, 1; Absence seizure. Last evaluated: 2025-07-28. Review status: criteria provided, single submitter. Criteria: Invitae Variant Classification Sherloc (09022015). Collection method: clinical testing. Allele origin: germline.

Revvity Omics, Revvity
Classification: Uncertain significance. Last evaluated: 2022-06-02. Review status: criteria provided, single submitter. Criteria: ACMG Guidelines, 2015. Collection method: clinical testing. Allele origin: germline.

GeneDx
Classification: Uncertain significance. Last evaluated: 2013-05-16. Review status: criteria provided, single submitter. Criteria: GeneDx Variant Classification (06012015). Collection method: clinical testing. Allele origin: germline. Affected: yes.
Comment: The Ile619Ser missense change has not been published as a mutation, nor has it been reported as a benign polymorphism to our knowledge. It was not observed in approximately 6,500 individuals of European and African American ancestry in the NHLBI Exome Sequencing Project, indicating it is not a common benign variant in these populations. The amino acid substitution is non-conservative, as a non-polar Isoleucine residue is replaced by a polar Serine residue. It alters a conserved position in the C-terminal region of the protein, and multiple in silico algorithms predict it may be damaging to protein structure/function. However, missense mutations have not been reported in this region of the protein in association with epilepsy. Therefore, based on the currently available information, it is unclear whether Ile619Ser is a disease-causing mutation or a rare benign variant. The variant is found in EPILEPSY panel(s).

PreventionGenetics, part of Exact Sciences
Classification: Likely benign for EFHC1-related condition. Last evaluated: 2020-08-24. Review status: no assertion criteria provided. Collection method: clinical testing. Allele origin: germline. Not counted in ClinVar's aggregate classification.
Comment: This variant is classified as likely benign based on ACMG/AMP sequence variant interpretation guidelines (Richards et al. 2015 PMID: 25741868, with internal and published modifications).

Dr. Peter K. Rogan Lab, Western University
No classification provided (evidence only). Condition: Familial cancer of breast. Review status: no classification provided. Collection method: in vitro. Allele origin: not applicable. Functional consequence: retained intron. Not counted in ClinVar's aggregate classification.

Dr. Peter K. Rogan Lab, Western University
No classification provided (evidence only). Condition: Hepatocellular carcinoma. Review status: no classification provided. Collection method: in vitro. Allele origin: not applicable. Functional consequence: retained intron. Not counted in ClinVar's aggregate classification.

Dr. Peter K. Rogan Lab, Western University
No classification provided (evidence only). Condition: Hepatocellular carcinoma. Review status: no classification provided. Collection method: in vitro. Allele origin: not applicable. Functional consequence: retained intron. Not counted in ClinVar's aggregate classification.

Dr. Peter K. Rogan Lab, Western University
No classification provided (evidence only). Condition: Gastric cancer. Review status: no classification provided. Collection method: in vitro. Allele origin: not applicable. Functional consequence: retained intron. Not counted in ClinVar's aggregate classification.

NM_018100.4(EFHC1):c.1856T>G (p.Ile619Ser)

Gene: EFHC1 (EF-hand domain containing 1; plus strand). Cytogenetic location: 6p12.2.
Variant type: single nucleotide variant.
Coding change: c.1856T>G on transcript NM_018100.4 (MANE Select); coding-DNA position 1856, T replaced by G.
Protein change: p.Ile619Ser; replaces isoleucine 619 with serine.
Molecular consequence: missense variant. On other transcripts: non-coding transcript variant (1).
Genome position (GRCh38, 1-based): chr6:52,492,274, T>G. VCF-style: chr6-52492274-T-G. GRCh37 (hg19) VCF-style: chr6-52357072-T-G.
Other names: p.I619S:ATC>AGC; c.1799T>G, p.Ile600Ser (NM_001172420.2); short protein forms I619S, I600S.
Identifiers: ClinVar variation 205416 (VCV000205416.19), dbSNP rs142458862, ClinGen allele CA314466.